The following is an entry in ClinVar:

ClinVar aggregate classification (germline): Pathogenic (1 of 4 stars; one submission).

Conditions:
Hypertrophic cardiomyopathy. Also called: HYPERTROPHIC MYOCARDIOPATHY. Identifiers: Orphanet 217569, MedGen C0007194, MeSH D002312, MONDO:0005045, HP:0001639.

Submission:

Labcorp Genetics (formerly Invitae), Labcorp
Classification: Pathogenic for Hypertrophic cardiomyopathy. Last evaluated: 2025-05-26. Review status: criteria provided, single submitter. Criteria: Invitae Variant Classification Sherloc (09022015). Collection method: clinical testing. Allele origin: germline.
Comment: This sequence change creates a premature translational stop signal (p.Arg726Alafs*28) in the MYBPC3 gene. It is expected to result in an absent or disrupted protein product. Loss-of-function variants in MYBPC3 are known to be pathogenic (PMID: 19574547). This variant is not present in population databases (gnomAD no frequency). This variant has not been reported in the literature in individuals affected with MYBPC3-related conditions. For these reasons, this variant has been classified as Pathogenic.

Literature cited by the submitters: PubMed 19574547.

NM_000256.3(MYBPC3):c.2176del (p.Arg726fs)

Gene: MYBPC3 (myosin binding protein C3; minus strand). Cytogenetic location: 11p11.2.
Variant type: Deletion.
Coding change: c.2176del on transcript NM_000256.3 (MANE Select); coding-DNA position 2176, one base deleted (C; older notation c.2176delC).
Protein change: p.Arg726fs; shifts the reading frame from arginine 726.
Molecular consequence: frameshift variant.
Genome position (GRCh38, 1-based): chr11:47,338,652, G deleted on the plus strand (C on the coding strand, the reverse complement: MYBPC3 is on the minus strand); the first of 2 consecutive G bases (chr11:47,338,652-47,338,653); deleting either gives the same sequence. VCF-style (leftmost placement, unchanged base first): chr11-47338651-CG-C. GRCh37 (hg19) VCF-style: chr11-47360202-CG-C.
Other names: short protein forms R726fs.
Identifiers: ClinVar variation 4715472 (VCV004715472.1).